The following is an entry in ClinVar:

NM_004006.3(DMD):c.8673G>C (p.Leu2891=)

Gene: DMD (dystrophin; minus strand). Cytogenetic location: Xp21.2.
Variant type: single nucleotide variant.
Coding change: c.8673G>C on transcript NM_004006.3 (MANE Select); coding-DNA position 8673, G replaced by C.
Protein change: p.Leu2891=; no amino-acid change (leucine 2891 retained).
Molecular consequence: synonymous variant.
Genome position (GRCh38, 1-based): chrX:31,478,370, C>G on the plus strand (G>C on the coding strand, the complement: DMD is on the minus strand). VCF-style: chrX-31478370-C-G. GRCh37 (hg19) VCF-style: chrX-31496487-C-G.
Other names: c.8649G>C, p.Leu2883= (NM_000109.4); c.8661G>C, p.Leu2887= (NM_004009.3); c.8304G>C, p.Leu2768= (NM_004010.3); c.4650G>C, p.Leu1550= (NM_004011.4); c.4641G>C, p.Leu1547= (NM_004012.4); c.1293G>C, p.Leu431= (NM_004013.3, NM_004020.4, NM_004021.3 and 2 more transcripts); c.486G>C, p.Leu162= (NM_004014.3).
Identifiers: ClinVar variation 382849 (VCV000382849.15), dbSNP rs1032573101, ClinGen allele CA16608834.

ClinVar aggregate classification (germline): Likely benign. Review status: criteria provided, multiple submitters, no conflicts (2 of 4 stars). 4 submissions from 4 submitters: Likely benign (3). 1 of the submissions does not count toward it. Last evaluated 2025-05-01.

Conditions:
Cardiovascular phenotype. Identifiers: MedGen CN230736.
Duchenne muscular dystrophy (DMD). Also called: MUSCULAR DYSTROPHY, PSEUDOHYPERTROPHIC PROGRESSIVE, DUCHENNE TYPE; Duchenne Muscular Dystrophy (DMD). Identifiers: Orphanet 98896, MedGen C0013264, MONDO:0010679, OMIM 310200.
Becker muscular dystrophy (BMD). Also called: MUSCULAR DYSTROPHY, PSEUDOHYPERTROPHIC PROGRESSIVE, BECKER TYPE; Becker Muscular Dystrophy (BMD). Identifiers: Orphanet 98895, MedGen C0917713, MONDO:0010311, OMIM 300376.
Cardiomyopathy (CMYO). Also called: Cardiomyopathies. Identifiers: Orphanet 167848, MedGen C0878544, MONDO:0004994, HP:0001638. Inheritance: Various modes of inheritance.
Dystrophin deficiency.

Allele frequency attached by ClinVar (database versions not stated): gnomAD 0.00001; TOPMed 0.00001; gnomAD exomes 0.00002.
gnomAD v4.1: 18 of 1,211,729 alleles (0.0015%); highest among the groups gnomAD compares: Non-Finnish European, 0.002%; no homozygotes.

Submissions (4):

Labcorp Genetics (formerly Invitae), Labcorp
Classification: Likely benign for Duchenne muscular dystrophy. Last evaluated: 2025-05-01. Review status: criteria provided, single submitter. Criteria: Invitae Variant Classification Sherloc (09022015). Collection method: clinical testing. Allele origin: germline.

Ambry Genetics
Classification: Likely benign for Cardiovascular phenotype. Last evaluated: 2018-06-26. Review status: criteria provided, single submitter. Criteria: Ambry Variant Classification Scheme 2023. Collection method: clinical testing. Allele origin: germline.

GeneDx
Classification: Likely benign. Last evaluated: 2016-01-11. Review status: criteria provided, single submitter. Criteria: GeneDx Variant Classification (06012015). Collection method: clinical testing. Allele origin: germline. Affected: yes.
Comment: This variant is considered likely benign or benign based on one or more of the following criteria: it is a conservative change, it occurs at a poorly conserved position in the protein, it is predicted to be benign by multiple in silico algorithms, and/or has population frequency not consistent with disease.

Natera, Inc.
Classification: Likely benign for Becker muscular dystrophy; Cardiomyopathy; Duchenne muscular dystrophy; Dystrophin deficiency. Last evaluated: 2020-04-11. Review status: no assertion criteria provided. Collection method: clinical testing. Allele origin: germline. Not counted in ClinVar's aggregate classification.